The following is an entry in ClinVar:

NM_201384.3(PLEC):c.8911C>T (p.Arg2971Trp)

Gene: PLEC (plectin; minus strand). Cytogenetic location: 8q24.3.
Variant type: single nucleotide variant.
Coding change: c.8911C>T on transcript NM_201384.3 (MANE Select); coding-DNA position 8911, C replaced by T.
Protein change: p.Arg2971Trp; replaces arginine 2971 with tryptophan.
Molecular consequence: missense variant.
Genome position (GRCh38, 1-based): chr8:143,920,910, G>A on the plus strand (C>T on the coding strand, the complement: PLEC is on the minus strand). VCF-style: chr8-143920910-G-A. GRCh37 (hg19) VCF-style: chr8-144995078-G-A.
Other names: c.8992C>T, p.Arg2998Trp (NM_000445.5); c.8869C>T, p.Arg2957Trp (NM_201378.4); c.8845C>T, p.Arg2949Trp (NM_201379.3); c.9322C>T, p.Arg3108Trp (NM_201380.4); c.8815C>T, p.Arg2939Trp (NM_201381.3); c.8911C>T, p.Arg2971Trp (NM_201382.4); c.8923C>T, p.Arg2975Trp (NM_201383.3); short protein forms R2939W, R2949W, R2957W, R2971W, R2975W, R2998W, R3108W.
Identifiers: ClinVar variation 521934 (VCV000521934.11), dbSNP rs782126948, ClinGen allele CA4925141.

ClinVar aggregate classification (germline): Uncertain significance. Review status: criteria provided, multiple submitters, no conflicts (2 of 4 stars). 2 submissions from 2 submitters: Uncertain significance (2). Last evaluated 2024-12-15.

Conditions:
Epidermolysis bullosa simplex 5C, with pyloric atresia (EBS5C). Also called: PLEC-Related Epidermolysis Bullosa with Pyloric Atresia; Epidermolysis bullosa simplex with pyloric atresia; PLEC1-Related Epidermolysis Bullosa with Pyloric Atresia. Identifiers: Orphanet 158684, MedGen C2677349, MONDO:0012807, OMIM 612138.
Autosomal recessive limb-girdle muscular dystrophy type 2Q (LGMDR17). Also called: MUSCULAR DYSTROPHY, LIMB-GIRDLE, AUTOSOMAL RECESSIVE 17. Identifiers: Orphanet 254361, MedGen C3150989, MONDO:0013390, OMIM 613723.
Epidermolysis bullosa simplex 5B, with muscular dystrophy (EBS5B). Also called: Epidermolysis bullosa simplex with muscular dystrophy; EPIDERMOLYSIS BULLOSA SIMPLEX AND LIMB-GIRDLE MUSCULAR DYSTROPHY. Identifiers: Orphanet 257, MedGen C2931072, MONDO:0009181, OMIM 226670.
Epidermolysis bullosa simplex, Ogna type (EBS5A). Also called: Pidermolysis bullosa simplex 5A, Ogna type; EPIDERMOLYSIS BULLOSA SIMPLEX 5A, OGNA TYPE. Identifiers: Orphanet 79401, MedGen C0432317, MONDO:0007555, OMIM 131950.
Epidermolysis bullosa simplex with nail dystrophy (EBS5D). Identifiers: MedGen C4225309, MONDO:0014661, OMIM 616487.
Inborn genetic diseases. Identifiers: MedGen C0950123, MeSH D030342.

Allele frequency attached by ClinVar (database versions not stated): gnomAD 0.00001; TOPMed 0.00002; ExAC 0.00003; gnomAD exomes 0.00006.
gnomAD v4.1: 145 of 1,612,462 alleles (0.009%); highest among the groups gnomAD compares: South Asian, 0.023%; no homozygotes.

Submissions (2):

Labcorp Genetics (formerly Invitae), Labcorp
Classification: Uncertain significance for Autosomal recessive limb-girdle muscular dystrophy type 2Q; Epidermolysis bullosa simplex, Ogna type; Epidermolysis bullosa simplex with nail dystrophy; Epidermolysis bullosa simplex 5C, with pyloric atresia; Epidermolysis bullosa simplex 5B, with muscular dystrophy. Last evaluated: 2024-12-15. Review status: criteria provided, single submitter. Criteria: Invitae Variant Classification Sherloc (09022015). Collection method: clinical testing. Allele origin: germline.
Comment: This sequence change replaces arginine, which is basic and polar, with tryptophan, which is neutral and slightly polar, at codon 2998 of the PLEC protein (p.Arg2998Trp). This variant is present in population databases (rs782126948, gnomAD 0.02%). This variant has not been reported in the literature in individuals affected with PLEC-related conditions. ClinVar contains an entry for this variant (Variation ID: 521934). Invitae Evidence Modeling of protein sequence and biophysical properties (such as structural, functional, and spatial information, amino acid conservation, physicochemical variation, residue mobility, and thermodynamic stability) indicates that this missense variant is not expected to disrupt PLEC protein function with a negative predictive value of 80%. In summary, the available evidence is currently insufficient to determine the role of this variant in disease. Therefore, it has been classified as a Variant of Uncertain Significance.

Ambry Genetics
Classification: Uncertain significance for Inborn genetic diseases. Last evaluated: 2017-08-29. Review status: criteria provided, single submitter. Criteria: Ambry exome assertion method (8-5-2015). Collection method: clinical testing. Allele origin: germline. Affected: yes. Observed: 1 variant allele.